The following is an entry in ClinVar:

ClinVar aggregate classification (germline): Uncertain significance (1 of 4 stars; one submission).

Conditions:
Walker-Warburg congenital muscular dystrophy. Also called: Muscular dystrophy-dystroglycanopathy, type A; Walker-Warburg syndrome. Identifiers: Orphanet 899, MedGen C0265221, MONDO:0000171.

Allele frequency attached by ClinVar (database versions not stated): gnomAD exomes below 0.00001.

Submission:

Labcorp Genetics (formerly Invitae), Labcorp
Classification: Uncertain significance for Walker-Warburg congenital muscular dystrophy. Last evaluated: 2025-12-24. Review status: criteria provided, single submitter. Criteria: Invitae Variant Classification Sherloc (09022015). Collection method: clinical testing. Allele origin: germline.
Comment: This sequence change replaces methionine, which is neutral and non-polar, with valine, which is neutral and non-polar, at codon 144 of the FKRP protein (p.Met144Val). This variant is not present in population databases (gnomAD no frequency). This missense change has been observed in individual(s) with clinical features of FKRP-related conditions (PMID: 39678382; internal data). In at least one individual the data is consistent with being in trans (on the opposite chromosome) from a pathogenic variant. ClinVar contains an entry for this variant (Variation ID: 577545). Invitae Evidence Modeling of protein sequence and biophysical properties (such as structural, functional, and spatial information, amino acid conservation, physicochemical variation, residue mobility, and thermodynamic stability) has been performed for this missense variant. However, the output from this modeling did not meet the statistical confidence thresholds required to predict the impact of this variant on FKRP protein function. In summary, the available evidence is currently insufficient to determine the role of this variant in disease. Therefore, it has been classified as a Variant of Uncertain Significance.

Literature cited by the submitters: PubMed 39678382.

NM_024301.5(FKRP):c.430A>G (p.Met144Val)

Gene: FKRP (fukutin related protein; plus strand). Cytogenetic location: 19q13.32.
Variant type: single nucleotide variant.
Coding change: c.430A>G on transcript NM_024301.5 (MANE Select); coding-DNA position 430, A replaced by G.
Protein change: p.Met144Val; replaces methionine 144 with valine.
Molecular consequence: missense variant.
Genome position (GRCh38, 1-based): chr19:46,755,880, A>G. VCF-style: chr19-46755880-A-G. GRCh37 (hg19) VCF-style: chr19-47259137-A-G.
Other names: c.430A>G, p.Met144Val (NM_001039885.3); short protein forms M144V.
Identifiers: ClinVar variation 577545 (VCV000577545.8), dbSNP rs1568418007, ClinGen allele CA406495308.